The following is an entry in ClinVar:

NM_001379451.1(BCORL1):c.3287_3289del (p.Val1096del)

Gene: BCORL1 (BCL6 corepressor like 1; plus strand). Cytogenetic location: Xq26.1.
Variant type: Deletion.
Coding change: c.3287_3289del on transcript NM_001379451.1 (MANE Select); coding-DNA positions 3287 to 3289, 3 bases deleted (TAG; older notation c.3287_3289delTAG).
Protein change: p.Val1096del; deletes valine 1096.
Molecular consequence: inframe deletion. On other transcripts: inframe indel (1).
Genome position (GRCh38, 1-based): chrX:130,016,059-130,016,061, TAG deleted; deleting any 3 consecutive bases within chrX:130,016,058-130,016,061 gives the same sequence; the c. name uses the placement nearest the transcript's 3' end. VCF-style (leftmost placement, unchanged base first): chrX-130016057-CGTA-C. GRCh37 (hg19) VCF-style: chrX-129150033-CGTA-C.
Other names: c.3287_3289del, p.Val1096del (NM_001184772.3, NM_001379450.1, NM_001441326.1 and 7 more transcripts); c.3287_3289delTAG, p.Val1096del (NM_021946.4); short protein forms V1096del.
Identifiers: ClinVar variation 5017054 (VCV005017054.1).
Genomic context (GRCh38, chrX:130,016,057, plus strand): 5'-CCAGAGGGGCCAAGCTGAAGTTCGGGCTAAGGCCGGGCAGGCTCGAGTGAAACAGGAAAG[CGTA>C]GGGGTCTTTGCTTGCAAGAACAAGTGGCAGCCAGATGATGTGACGGAATCTCTGCCGCCC-3'

ClinVar aggregate classification (germline): Uncertain significance (1 of 4 stars; one submission).

Submission:

GeneDx
Classification: Uncertain significance. Last evaluated: 2026-03-26. Review status: criteria provided, single submitter. Criteria: GeneDx Variant Classification Process June 2021. Collection method: clinical testing. Allele origin: germline.
Comment: Not observed at significant frequency in large population cohorts (gnomAD); In-frame deletion of 1 amino acid(s) in a non-repeat region; In silico analysis suggests that this variant does not alter protein structure/function; Has not been previously published as pathogenic or benign to our knowledge